The following is an entry in ClinVar:

ClinVar aggregate classification (germline): Uncertain significance (1 of 4 stars; one submission).

Conditions:
SIM1-related disorder. Also called: SIM1-related condition; SIM1-related disorders.

Allele frequency attached by ClinVar (database versions not stated): ExAC 0.00002; TOPMed 0.00004; gnomAD 0.00007; gnomAD exomes 0.00013.
gnomAD v4.1: 199 of 1,614,080 alleles (0.012%); highest among the groups gnomAD compares: Non-Finnish European, 0.016%; no homozygotes.

Submission:

PreventionGenetics, part of Exact Sciences
Classification: Uncertain significance for SIM1-related condition. Last evaluated: 2026-05-06. Review status: criteria provided, single submitter. Criteria: ACMG Guidelines, 2015. Collection method: clinical testing. Allele origin: germline.
Comment: The SIM1 c.2135C>T variant is predicted to result in the amino acid substitution p.Thr712Ile. This variant was previously reported in two related individuals who presented with obesity, and in vitro studies suggested that this variant may impair transcription of SIM1 (Ramachandrappa et al. 2013. PubMed ID: 23778139). This variant is reported in 0.0085% of alleles in individuals of European (Non-Finnish) descent in gnomAD. Although we suspect that this variant may be pathogenic, at this time, the clinical significance of this variant is uncertain due to the absence of conclusive functional and genetic evidence.

NM_005068.3(SIM1):c.2135C>T (p.Thr712Ile)

Gene: SIM1 (SIM bHLH transcription factor 1; minus strand). Cytogenetic location: 6q16.3.
Variant type: single nucleotide variant.
Coding change: c.2135C>T on transcript NM_005068.3 (MANE Select); coding-DNA position 2135, C replaced by T.
Protein change: p.Thr712Ile; replaces threonine 712 with isoleucine.
Molecular consequence: missense variant.
Genome position (GRCh38, 1-based): chr6:100,390,527, G>A on the plus strand (C>T on the coding strand, the complement: SIM1 is on the minus strand). VCF-style: chr6-100390527-G-A. GRCh37 (hg19) VCF-style: chr6-100838403-G-A.
Other names: c.2135C>T, p.Thr712Ile (NM_001374769.1); short protein forms T712I.
Identifiers: ClinVar variation 2633120 (VCV002633120.4), dbSNP rs745821604, ClinGen allele CA3936869.
Genomic context (GRCh38, chr6:100,390,527, plus strand): 5'-AAGGAATAGTTTCTAATGGTTTCGCTGTCATATAAGTGCTCCAGGGCATATCCAGTTAAT[G>A]TGTAAGCATGCTTGTCAAAATACTGCCGGTGAGAGCCAAAGCAGTTTGGAGAGACAGTAG-3'
Protein context (NP_005059.2, residues 702-722): HRQYFDKHAY[Thr712Ile]LTGYALEHLY